The following is an entry in ClinVar:

ClinVar aggregate classification (germline): Uncertain significance. Review status: criteria provided, multiple submitters, no conflicts (2 of 4 stars). 2 submissions from 2 submitters: Uncertain significance (2). Last evaluated 2024-11-28.

Conditions:
Autosomal dominant Parkinson disease 8. Also called: Parkinson disease 8, susceptibility to; LRRK2-Related Parkinson Disease; Parkinson disease 8. Identifiers: Orphanet 411602, MedGen C1846862, MONDO:0011764, OMIM 607060.

Allele frequency attached by ClinVar (database versions not stated): ExAC 0.00001; gnomAD exomes 0.00003 and 0.00009; gnomAD 0.00005; TOPMed 0.00008.
gnomAD v4.1: 51 of 1,613,854 alleles (0.0032%); highest among the groups gnomAD compares: Admixed American, 0.03%; no homozygotes.

Submissions (2):

Labcorp Genetics (formerly Invitae), Labcorp
Classification: Uncertain significance for Autosomal dominant Parkinson disease 8. Last evaluated: 2024-11-28. Review status: criteria provided, single submitter. Criteria: Invitae Variant Classification Sherloc (09022015). Collection method: clinical testing. Allele origin: germline.
Comment: This sequence change replaces histidine, which is basic and polar, with arginine, which is basic and polar, at codon 625 of the LRRK2 protein (p.His625Arg). This variant is present in population databases (rs200787476, gnomAD 0.05%), and has an allele count higher than expected for a pathogenic variant. This variant has not been reported in the literature in individuals affected with LRRK2-related conditions. ClinVar contains an entry for this variant (Variation ID: 1490259). An algorithm developed to predict the effect of missense changes on protein structure and function outputs the following: PolyPhen-2: "Benign". The arginine amino acid residue is found in multiple mammalian species, which suggests that this missense change does not adversely affect protein function. In summary, the available evidence is currently insufficient to determine the role of this variant in disease. Therefore, it has been classified as a Variant of Uncertain Significance.

Fulgent Genetics
Classification: Uncertain significance for Autosomal dominant Parkinson disease 8. Last evaluated: 2021-07-14. Review status: criteria provided, single submitter. Criteria: ACMG Guidelines, 2015. Collection method: clinical testing. Allele origin: unknown.

NM_198578.4(LRRK2):c.1874A>G (p.His625Arg)

Gene: LRRK2 (leucine rich repeat kinase 2; plus strand). Cytogenetic location: 12q12.
Variant type: single nucleotide variant.
Coding change: c.1874A>G on transcript NM_198578.4 (MANE Select); coding-DNA position 1874, A replaced by G.
Protein change: p.His625Arg; replaces histidine 625 with arginine.
Molecular consequence: missense variant.
Genome position (GRCh38, 1-based): chr12:40,274,926, A>G. VCF-style: chr12-40274926-A-G. GRCh37 (hg19) VCF-style: chr12-40668728-A-G.
Other names: short protein forms H625R.
Identifiers: ClinVar variation 1490259 (VCV001490259.9), dbSNP rs200787476, ClinGen allele CA6513482.